The following is an entry in ClinVar:

NM_004836.7(EIF2AK3):c.3277C>T (p.Arg1093Cys)

Genes: EIF2AK3 (eukaryotic translation initiation factor 2 alpha kinase 3; minus strand), EIF2AK3-AS1 (EIF2AK3 antisense RNA 1; plus strand). Cytogenetic location: 2p11.2.
Variant type: single nucleotide variant.
Coding change: c.3277C>T on transcript NM_004836.7 (MANE Select); coding-DNA position 3277, C replaced by T.
Protein change: p.Arg1093Cys; replaces arginine 1093 with cysteine.
Molecular consequence: missense variant.
Genome position (GRCh38, 1-based): chr2:88,557,810, G>A on the plus strand (C>T on the coding strand, the complement: EIF2AK3 is on the minus strand). VCF-style: chr2-88557810-G-A. GRCh37 (hg19) VCF-style: chr2-88857328-G-A.
Other names: c.2824C>T, p.Arg942Cys (NM_001313915.2); c.3277C>T (NM_004836.5); short protein forms R942C, R1093C.
Identifiers: ClinVar variation 1395881 (VCV001395881.9), dbSNP rs765299033, ClinGen allele CA51470133.

ClinVar aggregate classification (germline): Uncertain significance. Review status: criteria provided, multiple submitters, no conflicts (2 of 4 stars). 2 submissions from 2 submitters: Uncertain significance (2). Last evaluated 2023-08-17.

Conditions:
Inborn genetic diseases. Identifiers: MedGen C0950123, MeSH D030342.

Allele frequency attached by ClinVar (database versions not stated): gnomAD exomes below 0.00001 and 0.00001; gnomAD 0.00001; TOPMed 0.00001.
gnomAD v4.1: 13 of 1,613,984 alleles (0.00081%); highest among the groups gnomAD compares: East Asian, 0.0022%; no homozygotes.

Submissions (2):

Labcorp Genetics (formerly Invitae), Labcorp
Classification: Uncertain significance. Last evaluated: 2023-08-17. Review status: criteria provided, single submitter. Criteria: Invitae Variant Classification Sherloc (09022015). Collection method: clinical testing. Allele origin: germline.
Comment: This sequence change replaces arginine, which is basic and polar, with cysteine, which is neutral and slightly polar, at codon 1093 of the EIF2AK3 protein (p.Arg1093Cys). This variant is present in population databases (rs765299033, gnomAD 0.005%). This variant has not been reported in the literature in individuals affected with EIF2AK3-related conditions. ClinVar contains an entry for this variant (Variation ID: 1395881). An algorithm developed to predict the effect of missense changes on protein structure and function (PolyPhen-2) suggests that this variant is likely to be disruptive. In summary, the available evidence is currently insufficient to determine the role of this variant in disease. Therefore, it has been classified as a Variant of Uncertain Significance.

Ambry Genetics
Classification: Uncertain significance for Inborn genetic diseases. Last evaluated: 2022-11-18. Review status: criteria provided, single submitter. Criteria: Ambry Variant Classification Scheme 2023. Collection method: clinical testing. Allele origin: germline.